The following is an entry in ClinVar:

NM_001288705.3(CSF1R):c.2539G>A (p.Glu847Lys)

Gene: CSF1R (colony stimulating factor 1 receptor; minus strand). Cytogenetic location: 5q32.
Variant type: single nucleotide variant.
Coding change: c.2539G>A on transcript NM_001288705.3 (MANE Select); coding-DNA position 2539, G replaced by A.
Protein change: p.Glu847Lys; replaces glutamic acid 847 with lysine.
Molecular consequence: missense variant. On other transcripts: non-coding transcript variant (2).
Genome position (GRCh38, 1-based): chr5:150,056,041, C>T on the plus strand (G>A on the coding strand, the complement: CSF1R is on the minus strand). VCF-style: chr5-150056041-C-T. GRCh37 (hg19) VCF-style: chr5-149435604-C-T.
Other names: c.2539G>A, p.Glu847Lys (NM_001349736.2, NM_001375320.1, NM_005211.4); c.2095G>A, p.Glu699Lys (NM_001375321.1); short protein forms E847K, E699K.
Identifiers: ClinVar variation 1458272 (VCV001458272.8), dbSNP rs2113778102, ClinGen allele CA361758306.

ClinVar aggregate classification (germline): Pathogenic (1 of 4 stars; one submission).

Submission:

Labcorp Genetics (formerly Invitae), Labcorp
Classification: Pathogenic. Last evaluated: 2021-12-02. Review status: criteria provided, single submitter. Criteria: Invitae Variant Classification Sherloc (09022015). Collection method: clinical testing. Allele origin: germline.
Comment: This variant is not present in population databases (gnomAD no frequency). This sequence change replaces glutamic acid, which is acidic and polar, with lysine, which is basic and polar, at codon 847 of the CSF1R protein (p.Glu847Lys). For these reasons, this variant has been classified as Pathogenic. This variant disrupts the p.Glu847 amino acid residue in CSF1R. Other variant(s) that disrupt this residue have been determined to be pathogenic (PMID: 23649896, 28122429, 31520500). This suggests that this residue is clinically significant, and that variants that disrupt this residue are likely to be disease-causing. Advanced modeling of protein sequence and biophysical properties (such as structural, functional, and spatial information, amino acid conservation, physicochemical variation, residue mobility, and thermodynamic stability) performed at Invitae indicates that this missense variant is expected to disrupt CSF1R protein function. This missense change has been observed in individuals with autosomal dominant hereditary diffuse leukoencephalopathy with spheroids (PMID: 26401554, 30853829).

Literature cited by the submitters: PubMed 23649896; PubMed 28122429; PubMed 31520500; PubMed 26401554; PubMed 30853829.